The following is an entry in ClinVar:

NM_144596.4(TTC8):c.429A>C (p.Arg143Ser)

Gene: TTC8 (tetratricopeptide repeat domain 8; plus strand). Cytogenetic location: 14q31.3.
Variant type: single nucleotide variant.
Coding change: c.429A>C on transcript NM_144596.4 (MANE Select); coding-DNA position 429, A replaced by C.
Protein change: p.Arg143Ser; replaces arginine 143 with serine.
Molecular consequence: missense variant. On other transcripts: 5 prime UTR variant (2), non-coding transcript variant (1).
Genome position (GRCh38, 1-based): chr14:88,841,136, A>C. VCF-style: chr14-88841136-A-C. GRCh37 (hg19) VCF-style: chr14-89307480-A-C.
Other names: c.399A>C, p.Arg133Ser (NM_001288781.1, NM_001366535.2, NM_001366536.2 and 2 more transcripts); c.-164A>C (NM_001288782.1); c.-259A>C (NM_001288783.1); short protein forms R133S, R143S.
Identifiers: ClinVar variation 1486803 (VCV001486803.8), dbSNP rs1472731626, ClinGen allele CA390574760.

ClinVar aggregate classification (germline): Uncertain significance (1 of 4 stars; one submission).

Conditions:
Bardet-Biedl syndrome (BBS). Identifiers: Orphanet 110, MedGen C0752166, MONDO:0015229.

Allele frequency attached by ClinVar (database versions not stated): gnomAD exomes below 0.00001.
gnomAD v4.1: 2 of 1,614,060 alleles (0.00012%); highest among the groups gnomAD compares: Admixed American, 0.0033%; no homozygotes.

Submission:

Labcorp Genetics (formerly Invitae), Labcorp
Classification: Uncertain significance for Bardet-Biedl syndrome. Last evaluated: 2022-10-17. Review status: criteria provided, single submitter. Criteria: Invitae Variant Classification Sherloc (09022015). Collection method: clinical testing. Allele origin: germline.
Comment: ClinVar contains an entry for this variant (Variation ID: 1486803). Advanced modeling of protein sequence and biophysical properties (such as structural, functional, and spatial information, amino acid conservation, physicochemical variation, residue mobility, and thermodynamic stability) has been performed at Invitae for this missense variant, however the output from this modeling did not meet the statistical confidence thresholds required to predict the impact of this variant on TTC8 protein function. In summary, the available evidence is currently insufficient to determine the role of this variant in disease. Therefore, it has been classified as a Variant of Uncertain Significance. This sequence change replaces arginine, which is basic and polar, with serine, which is neutral and polar, at codon 133 of the TTC8 protein (p.Arg133Ser). This variant is present in population databases (no rsID available, gnomAD 0.003%). This variant has not been reported in the literature in individuals affected with TTC8-related conditions.